The following is an entry in ClinVar:

NM_020975.6(RET):c.512G>T (p.Arg171Met)

Gene: RET (ret proto-oncogene; plus strand). Cytogenetic location: 10q11.21.
Variant type: single nucleotide variant.
Coding change: c.512G>T on transcript NM_020975.6 (MANE Select); coding-DNA position 512, G replaced by T.
Protein change: p.Arg171Met; replaces arginine 171 with methionine.
Molecular consequence: missense variant. On other transcripts: intron variant (15).
Genome position (GRCh38, 1-based): chr10:43,102,516, G>T. VCF-style: chr10-43102516-G-T. GRCh37 (hg19) VCF-style: chr10-43597964-G-T.
Other names: c.383G>T, p.Arg128Met (NM_001406774.1, NM_001406783.1, NM_001406786.1 and 4 more transcripts); c.512G>T, p.Arg171Met (NM_001406779.1, NM_001406780.1, NM_001406781.1 and 14 more transcripts); c.337+1794G>T (NM_001406789.1, NM_001406791.1, NM_001406770.1 and 8 more transcripts); c.74-6515G>T (NM_001406784.1); c.74-9583G>T (NM_001406794.1, NM_001406792.1, NM_001406793.1); short protein forms R171M, R128M.
Identifiers: ClinVar variation 3717083 (VCV003717083.2).

ClinVar aggregate classification (germline): Uncertain significance (1 of 4 stars; one submission).

Conditions:
Multiple endocrine neoplasia, type 2 (MEN2). Identifiers: Orphanet 653, MedGen C4048306, MONDO:0019003. Disease mechanism: gain of function.

Submission:

Labcorp Genetics (formerly Invitae), Labcorp
Classification: Uncertain significance for Multiple endocrine neoplasia, type 2. Last evaluated: 2024-09-14. Review status: criteria provided, single submitter. Criteria: Invitae Variant Classification Sherloc (09022015). Collection method: clinical testing. Allele origin: germline.
Comment: This sequence change replaces arginine, which is basic and polar, with methionine, which is neutral and non-polar, at codon 171 of the RET protein (p.Arg171Met). This variant is not present in population databases (gnomAD no frequency). This variant has not been reported in the literature in individuals affected with RET-related conditions. An algorithm developed to predict the effect of missense changes on protein structure and function (PolyPhen-2) suggests that this variant is likely to be tolerated. In summary, the available evidence is currently insufficient to determine the role of this variant in disease. Therefore, it has been classified as a Variant of Uncertain Significance.